The following is an entry in ClinVar:

ClinVar aggregate classification (germline): Uncertain significance (1 of 4 stars; one submission).

Conditions:
SKIC3-related disorder. Also called: SKIC3-related condition.

gnomAD v4.1: 2 of 152,216 alleles (0.0013%); highest among the groups gnomAD compares: Non-Finnish European, 0.0029%; no homozygotes.

Submission:

PreventionGenetics, part of Exact Sciences
Classification: Uncertain significance for SKIC3-related condition. Last evaluated: 2026-01-08. Review status: criteria provided, single submitter. Criteria: ACMG Guidelines, 2015. Collection method: clinical testing. Allele origin: germline.
Comment: The SKIC3 c.544-470T>G variant is predicted to interfere with splicing. This variant is predicted to enhance a cryptic splice site based on splicing prediction programs (Alamut Visual Plus v1.6.1); however, functional studies have not been conducted to support these predictions. To our knowledge, this variant has not been reported in the literature. This variant is reported in 0.0065% of alleles in individuals of European (Non-Finnish) descent in gnomAD. At this time, the clinical significance of this variant is uncertain due to the absence of conclusive functional and genetic evidence.

NM_014639.4(SKIC3):c.544-470T>G

Gene: SKIC3 (SKI3 subunit of superkiller complex; minus strand). Cytogenetic location: 5q15.
Variant type: single nucleotide variant.
Coding change: c.544-470T>G on transcript NM_014639.4 (MANE Select); 470 bases into the intron before coding-DNA position 544, T replaced by G.
Molecular consequence: intron variant.
Genome position (GRCh38, 1-based): chr5:95,537,611, A>C on the plus strand (T>G on the coding strand, the complement: SKIC3 is on the minus strand). VCF-style: chr5-95537611-A-C. GRCh37 (hg19) VCF-style: chr5-94873315-A-C.
Identifiers: ClinVar variation 3345104 (VCV003345104.2).